The following is an entry in ClinVar:

ClinVar aggregate classification (germline): Uncertain significance. Review status: criteria provided, multiple submitters, no conflicts (2 of 4 stars). 2 submissions from 2 submitters: Uncertain significance (2). Last evaluated 2025-10-13.

Conditions:
Hereditary cancer-predisposing syndrome. Also called: Hereditary neoplastic syndrome; Tumor predisposition; Neoplastic Syndromes, Hereditary; Hereditary Cancer Syndrome. Identifiers: Orphanet 140162, MedGen C0027672, MeSH D009386, MONDO:0015356.
Tuberous sclerosis 2 (TSC2). Identifiers: Orphanet 805, MedGen C1860707, MONDO:0013199, OMIM 613254.

Allele frequency attached by ClinVar (database versions not stated): TOPMed below 0.00001.

Submissions (2):

Labcorp Genetics (formerly Invitae), Labcorp
Classification: Uncertain significance for Tuberous sclerosis 2. Last evaluated: 2025-10-13. Review status: criteria provided, single submitter. Criteria: Invitae Variant Classification Sherloc (09022015). Collection method: clinical testing. Allele origin: germline.
Comment: This sequence change replaces methionine, which is neutral and non-polar, with isoleucine, which is neutral and non-polar, at codon 198 of the TSC2 protein (p.Met198Ile). This variant is not present in population databases (gnomAD no frequency). This missense change has been observed in individual(s) with tuberous sclerosis complex (PMID: 38273422). ClinVar contains an entry for this variant (Variation ID: 857885). Invitae Evidence Modeling of protein sequence and biophysical properties (such as structural, functional, and spatial information, amino acid conservation, physicochemical variation, residue mobility, and thermodynamic stability) indicates that this missense variant is not expected to disrupt TSC2 protein function with a negative predictive value of 95%. In summary, the available evidence is currently insufficient to determine the role of this variant in disease. Therefore, it has been classified as a Variant of Uncertain Significance.

Ambry Genetics
Classification: Uncertain significance for Hereditary cancer-predisposing syndrome. Last evaluated: 2024-06-21. Review status: criteria provided, single submitter. Criteria: Ambry Variant Classification Scheme 2023. Collection method: clinical testing. Allele origin: germline.
Comment: The p.M198I variant (also known as c.594G>A), located in coding exon 5 of the TSC2 gene, results from a G to A substitution at nucleotide position 594. The methionine at codon 198 is replaced by isoleucine, an amino acid with highly similar properties. This variant was reported in an individual with features consistent with tuberous sclerosis complex (Wang L et al. Int J Dermatol, 2024 Apr;63:532-533). This amino acid position is highly conserved in available vertebrate species. In addition, this alteration is predicted to be deleterious by in silico analysis. Based on the available evidence, the clinical significance of this variant remains unclear.

Literature cited by the submitters: PubMed 38273422 (cited by Labcorp Genetics (formerly Invitae), Labcorp and Ambry Genetics).

NM_000548.5(TSC2):c.594G>A (p.Met198Ile)

Gene: TSC2 (TSC complex subunit 2; plus strand). Cytogenetic location: 16p13.3.
Variant type: single nucleotide variant.
Coding change: c.594G>A on transcript NM_000548.5 (MANE Select); coding-DNA position 594, G replaced by A.
Protein change: p.Met198Ile; replaces methionine 198 with isoleucine.
Molecular consequence: missense variant. On other transcripts: intron variant (1).
Genome position (GRCh38, 1-based): chr16:2,055,514, G>A. VCF-style: chr16-2055514-G-A. GRCh37 (hg19) VCF-style: chr16-2105515-G-A.
Other names: c.594G>A, p.Met198Ile (NM_001077183.3, NM_001114382.3, NM_001363528.2 and 3 more transcripts); c.483G>A, p.Met161Ile (NM_001318827.2); c.447G>A, p.Met149Ile (NM_001318829.2); c.627G>A, p.Met209Ile (NM_001318832.2); c.-1-682G>A (NM_001318831.2); short protein forms M161I, M149I, M209I, M198I.
Identifiers: ClinVar variation 857885 (VCV000857885.13), dbSNP rs1452242351, ClinGen allele CA394309882.